The following is an entry in ClinVar:

NM_001005373.4(LRSAM1):c.1347+5G>A

Gene: LRSAM1 (leucine rich repeat and sterile alpha motif containing 1; plus strand). Cytogenetic location: 9q33.3.
Variant type: single nucleotide variant.
Coding change: c.1347+5G>A on transcript NM_001005373.4 (MANE Select); 5 bases into the intron after coding-DNA position 1347, G replaced by A.
Molecular consequence: intron variant.
Genome position (GRCh38, 1-based): chr9:127,487,768, G>A. VCF-style: chr9-127487768-G-A. GRCh37 (hg19) VCF-style: chr9-130250047-G-A.
Other names: c.1347+5G>A (NM_138361.4, NM_138361.5, NM_001384142.1 and 3 more transcripts); c.558+5G>A (NM_001384144.1).
Identifiers: ClinVar variation 546400 (VCV000546400.11), dbSNP rs368570954, ClinGen allele CA5246935.
Genomic context (GRCh38, chr9:127,487,768, plus strand): 5'-TTCTGTCGTGGCAGCAAATGGATCAGAACAAAGCCATCAGCCAGATCCTGCAGGAGGTGA[G>A]CCCTCGCCCAGAGCCTGAGGGTGGGAGCTCAGGAGGGAGGTTCAGGAGCCAGGGCAGAGT-3'

ClinVar aggregate classification (germline): Uncertain significance. Review status: criteria provided, multiple submitters, no conflicts (2 of 4 stars). 3 submissions from 3 submitters: Uncertain significance (3). Last evaluated 2023-06-23.

Conditions:
Charcot-Marie-Tooth disease axonal type 2P. Also called: CHARCOT-MARIE-TOOTH DISEASE, AXONAL, TYPE 2G; CMT 2G; Charcot-Marie-Tooth Neuropathy Type 2G; CHARCOT-MARIE-TOOTH NEUROPATHY, TYPE 2P. Identifiers: Orphanet 300319, Orphanet 99941, MedGen C3280797, MONDO:0013753, OMIM 614436.
Inborn genetic diseases. Identifiers: MedGen C0950123, MeSH D030342.

Allele frequency attached by ClinVar (database versions not stated): ESP Exome Variant Server 0.00008; TOPMed 0.00002; gnomAD 0.00005; gnomAD exomes 0.00004 and 0.00001; ExAC 0.00004.
gnomAD v4.1: 20 of 1,611,150 alleles (0.0012%); highest among the groups gnomAD compares: Middle Eastern, 0.016%; no homozygotes.

Submissions (3):

Labcorp Genetics (formerly Invitae), Labcorp
Classification: Uncertain significance for Charcot-Marie-Tooth disease axonal type 2P. Last evaluated: 2023-06-23. Review status: criteria provided, single submitter. Criteria: Invitae Variant Classification Sherloc (09022015). Collection method: clinical testing. Allele origin: germline.
Comment: This sequence change falls in intron 17 of the LRSAM1 gene. It does not directly change the encoded amino acid sequence of the LRSAM1 protein. It affects a nucleotide within the consensus splice site. This variant is present in population databases (rs368570954, gnomAD 0.01%). This variant has not been reported in the literature in individuals affected with LRSAM1-related conditions. ClinVar contains an entry for this variant (Variation ID: 546400). Variants that disrupt the consensus splice site are a relatively common cause of aberrant splicing (PMID: 17576681, 9536098). Algorithms developed to predict the effect of sequence changes on RNA splicing suggest that this variant may create or strengthen a splice site. In summary, the available evidence is currently insufficient to determine the role of this variant in disease. Therefore, it has been classified as a Variant of Uncertain Significance.

Ambry Genetics
Classification: Uncertain significance for Inborn genetic diseases. Last evaluated: 2022-05-13. Review status: criteria provided, single submitter. Criteria: Ambry Variant Classification Scheme 2023. Collection method: clinical testing. Allele origin: germline.
Comment: The c.1347+5G>A intronic variant results from a G to A substitution 5 nucleotides after coding exon 16 in the LRSAM1 gene. This nucleotide position is highly conserved in available vertebrate species. In silico splice site analysis predicts that this alteration will not have any significant effect on splicing. Based on the supporting evidence, this variant is unlikely to be causative of autosomal dominant Charcot-Marie-Tooth disease, type 2P (CMT2P); however, its contribution to the development of autosomal recessive CMT2P is uncertain.

GeneDx
Classification: Uncertain significance. Last evaluated: 2021-02-01. Review status: criteria provided, single submitter. Criteria: GeneDx Variant Classification Process June 2021. Collection method: clinical testing. Allele origin: germline. Affected: yes.
Comment: Intronic +5 splice site variant in which both splice predictors and evolutionary conservation support a deleterious effect, although in the absence of functional evidence the actual effect of this sequence change is unknown.; Has not been previously published as pathogenic or benign to our knowledge

Literature cited by the submitters: PubMed 17576681 (cited by Labcorp Genetics (formerly Invitae), Labcorp); PubMed 9536098 (cited by Labcorp Genetics (formerly Invitae), Labcorp).